The following is an entry in ClinVar:

NM_001202.6(BMP4):c.736A>T (p.Thr246Ser)

Gene: BMP4 (bone morphogenetic protein 4; minus strand). Cytogenetic location: 14q22.2.
Variant type: single nucleotide variant.
Coding change: c.736A>T on transcript NM_001202.6 (MANE Select); coding-DNA position 736, A replaced by T.
Protein change: p.Thr246Ser; replaces threonine 246 with serine.
Molecular consequence: missense variant.
Genome position (GRCh38, 1-based): chr14:53,950,523, T>A on the plus strand (A>T on the coding strand, the complement: BMP4 is on the minus strand). VCF-style: chr14-53950523-T-A. GRCh37 (hg19) VCF-style: chr14-54417241-T-A.
Other names: c.877A>T, p.Thr293Ser (NM_001347912.1); c.547A>T, p.Thr183Ser (NM_001347913.2, NM_001347915.2, NM_001347917.1); c.736A>T, p.Thr246Ser (NM_001347914.2, NM_001347916.1, NM_130850.5 and 1 more transcripts); short protein forms T183S, T246S, T293S.
Identifiers: ClinVar variation 3991954 (VCV003991954.2).

ClinVar aggregate classification (germline): Uncertain significance. Review status: criteria provided, multiple submitters, no conflicts (2 of 4 stars). 2 submissions from 2 submitters: Uncertain significance (2). Last evaluated 2025-07-21.

Conditions:
Orofacial cleft 11 (OFC11). Also called: CLEFT LIP WITH OR WITHOUT CLEFT PALATE, NONSYNDROMIC, 11; Orofacial cleft 11; ofc11. Identifiers: MedGen C2677434, MONDO:0010906, OMIM 600625.
Microphthalmia with brain and digit anomalies (MCOPS6). Also called: MICROPHTHALMIA AND PITUITARY ANOMALIES; Microphthalmia, syndromic 6. Identifiers: Orphanet 139471, MedGen C1864689, MONDO:0011936, OMIM 607932.
Inborn genetic diseases. Identifiers: MedGen C0950123, MeSH D030342.

gnomAD v4.1: 3 of 1,614,178 alleles (0.00019%); highest among the groups gnomAD compares: Non-Finnish European, 0.00017%; no homozygotes.

Submissions (2):

Labcorp Genetics (formerly Invitae), Labcorp
Classification: Uncertain significance for Microphthalmia with brain and digit anomalies; Orofacial cleft 11. Last evaluated: 2025-07-21. Review status: criteria provided, single submitter. Criteria: Invitae Variant Classification Sherloc (09022015). Collection method: clinical testing. Allele origin: germline.
Comment: This sequence change replaces threonine, which is neutral and polar, with serine, which is neutral and polar, at codon 246 of the BMP4 protein (p.Thr246Ser). This variant is not present in population databases (gnomAD no frequency). This variant has not been reported in the literature in individuals affected with BMP4-related conditions. An algorithm developed to predict the effect of missense changes on protein structure and function (PolyPhen-2) suggests that this variant is likely to be tolerated. In summary, the available evidence is currently insufficient to determine the role of this variant in disease. Therefore, it has been classified as a Variant of Uncertain Significance.

Ambry Genetics
Classification: Uncertain significance for Inborn genetic diseases. Last evaluated: 2025-05-05. Review status: criteria provided, single submitter. Criteria: Ambry Variant Classification Scheme 2023. Collection method: clinical testing. Allele origin: germline.